The following is an entry in ClinVar:

NM_000535.7(PMS2):c.374G>A (p.Cys125Tyr)

Gene: PMS2 (PMS1 homolog 2, mismatch repair system component; minus strand). Cytogenetic location: 7p22.1.
Variant type: single nucleotide variant.
Coding change: c.374G>A on transcript NM_000535.7 (MANE Select); coding-DNA position 374, G replaced by A.
Protein change: p.Cys125Tyr; replaces cysteine 125 with tyrosine.
Molecular consequence: missense variant. On other transcripts: 5 prime UTR variant (29), non-coding transcript variant (1), intron variant (1).
Genome position (GRCh38, 1-based): chr7:6,002,616, C>T on the plus strand (G>A on the coding strand, the complement: PMS2 is on the minus strand). VCF-style: chr7-6002616-C-T. GRCh37 (hg19) VCF-style: chr7-6042247-C-T.
Other names: c.-32G>A (NM_001322003.2, NM_001322004.2, NM_001322005.2 and 24 more transcripts); c.374G>A, p.Cys125Tyr (NM_001322006.2, NM_001322014.2, NM_001406869.1 and 8 more transcripts); c.56G>A, p.Cys19Tyr (NM_001322007.2, NM_001322008.2, NM_001406876.1 and 4 more transcripts); c.-511G>A (NM_001322011.2, NM_001322012.2); c.65G>A, p.Cys22Tyr (NM_001322015.2, NM_001406875.1, NM_001406877.1 and 6 more transcripts); c.560G>A, p.Cys187Tyr (NM_001406866.1); c.398G>A, p.Cys133Tyr (NM_001406868.1); c.250+1356G>A (NM_001406885.1); short protein forms C19Y, C133Y, C22Y, C125Y, C187Y.
Identifiers: ClinVar variation 3935129 (VCV003935129.1).

ClinVar aggregate classification (germline): Uncertain significance (1 of 4 stars; one submission).

Conditions:
Hereditary cancer-predisposing syndrome. Also called: Tumor predisposition; Hereditary neoplastic syndrome; Hereditary Cancer Syndrome; Neoplastic Syndromes, Hereditary. Identifiers: Orphanet 140162, MedGen C0027672, MeSH D009386, MONDO:0015356.

Submission:

Ambry Genetics
Classification: Uncertain significance for Hereditary cancer-predisposing syndrome. Last evaluated: 2025-04-25. Review status: criteria provided, single submitter. Criteria: Ambry Variant Classification Scheme 2023. Collection method: clinical testing. Allele origin: germline.
Comment: The p.C125Y variant (also known as c.374G>A), located in coding exon 5 of the PMS2 gene, results from a G to A substitution at nucleotide position 374. The cysteine at codon 125 is replaced by tyrosine, an amino acid with highly dissimilar properties. This amino acid position is conserved. In addition, this alteration is predicted to be deleterious by in silico analysis. Based on the available evidence, the clinical significance of this variant remains unclear.